The following is an entry in ClinVar:

NM_001378183.1(PIEZO2):c.22G>A (p.Gly8Arg)

Gene: PIEZO2 (piezo type mechanosensitive ion channel component 2; minus strand). Cytogenetic location: 18p11.21.
Variant type: single nucleotide variant.
Coding change: c.22G>A on transcript NM_001378183.1 (MANE Select); coding-DNA position 22, G replaced by A.
Protein change: p.Gly8Arg; replaces glycine 8 with arginine.
Molecular consequence: missense variant.
Genome position (GRCh38, 1-based): chr18:11,148,567, C>T on the plus strand (G>A on the coding strand, the complement: PIEZO2 is on the minus strand). VCF-style: chr18-11148567-C-T. GRCh37 (hg19) VCF-style: chr18-11148566-C-T.
Other names: c.22G>A, p.Gly8Arg (NM_001410871.1, NM_022068.4); short protein forms G8R.
Identifiers: ClinVar variation 5003173 (VCV005003173.1).

ClinVar aggregate classification (germline): Uncertain significance (1 of 4 stars; one submission).

Conditions:
Marden-Walker syndrome (MWKS). Also called: Connective tissue disorder Marden Walker type. Identifiers: Orphanet 2461, MedGen C0796033, MONDO:0009564, OMIM 248700.

gnomAD v4.1: 1 of 1,537,188 alleles (0.000065%); highest among the groups gnomAD compares: South Asian, 0.0012%; no homozygotes.

Submission:

OLLIN Analises Genomicas, OLLIN
Classification: Uncertain significance for Marden-Walker syndrome. Last evaluated: 2026-08-06. Review status: criteria provided, single submitter. Criteria: ACMG Guidelines 2015 PMID 25741868. Collection method: clinical testing. Allele origin: germline. Inheritance: Autosomal dominant inheritance.
Comment: This missense variant, located in exon 1 (of 56), has been observed in gnomAD with an allele frequency of 0.000062%, but has not been reported in ClinVar or identified in the literature. In silico analysis is inconclusive regarding the impact of this variant. This gene is constrained for missense variation. According to the currently available evidence, this variant has been classified as uncertain significance (PM2_P, PP2).